The following is an entry in ClinVar:

NM_206933.4(USH2A):c.6929C>T (p.Thr2310Met)

Gene: USH2A (usherin; minus strand). Cytogenetic location: 1q41.
Variant type: single nucleotide variant.
Coding change: c.6929C>T on transcript NM_206933.4 (MANE Select); coding-DNA position 6929, C replaced by T.
Protein change: p.Thr2310Met; replaces threonine 2310 with methionine.
Molecular consequence: missense variant.
Genome position (GRCh38, 1-based): chr1:215,970,653, G>A on the plus strand (C>T on the coding strand, the complement: USH2A is on the minus strand). VCF-style: chr1-215970653-G-A. GRCh37 (hg19) VCF-style: chr1-216143995-G-A.
Other names: short protein forms T2310M.
Identifiers: ClinVar variation 965224 (VCV000965224.23), dbSNP rs151057466, ClinGen allele CA1394999.

ClinVar aggregate classification (germline): Pathogenic/Likely pathogenic. Review status: criteria provided, multiple submitters, no conflicts (2 of 4 stars). 11 submissions from 11 submitters: Pathogenic (2); Likely pathogenic (5). 4 of the submissions do not count toward it. Last evaluated 2026-06-04.

Conditions:
Retinitis pigmentosa 39 (RP39). Identifiers: Orphanet 791, MedGen C3151138, MONDO:0013436, OMIM 613809.
USH2A-related disorder. Also called: USH2A-related disorders; USH2A-related condition. Identifiers: MedGen CN239332.
Usher syndrome type 2A. Also called: RETINAL DISEASE IN USHER SYNDROME TYPE IIA, MODIFIER OF; USHER SYNDROME, TYPE IIA. Identifiers: Orphanet 231178, Orphanet 886, MedGen C1848634, MONDO:0010169, OMIM 276901.

Allele frequency attached by ClinVar (database versions not stated): gnomAD exomes 0.00003 and 0.00007; gnomAD 0.00007 and 0.00009; ExAC 0.00008; ESP Exome Variant Server 0.00008; TOPMed 0.00015; 1000 Genomes Project 0.00060; 1000 Genomes Project 30x 0.00062.
gnomAD v4.1: 58 of 1,613,624 alleles (0.0036%); highest among the groups gnomAD compares: East Asian, 0.029%; no homozygotes.

Submissions (11):

GeneDx
Classification: Likely pathogenic. Last evaluated: 2026-06-04. Review status: criteria provided, single submitter. Criteria: GeneDx Variant Classification Process June 2021. Collection method: clinical testing. Allele origin: germline.
Comment: Identified with a second USH2A variant in additional patients with retinitis pigmentosa in published literature (PMID: 32188678, 32675063); Identified in an individual with non-syndromic hearing loss who was also heterozygous for a variant in the PDZD7 gene (PMID: 30733538); In silico analysis supports that this missense variant has a deleterious effect on protein structure/function; This variant is associated with the following publications: (PMID: 31054281, 32188678, 30733538, 38553482, 32675063, 33576794, 34906470, 34781295)

PreventionGenetics, part of Exact Sciences
Classification: Likely pathogenic for USH2A-related condition. Last evaluated: 2025-12-31. Review status: criteria provided, single submitter. Criteria: ACMG Guidelines, 2015. Collection method: clinical testing. Allele origin: germline.
Comment: The USH2A c.6929C>T variant is predicted to result in the amino acid substitution p.Thr2310Met. This variant has been reported along with a second, sometimes loss of function, USH2A variant in individual with hearing loss and/or retinitis pigmentosa (Table S2, Gao et al. 2019. PubMed ID: 31054281; Table S3, Zhu et al. 2020. PubMed ID: 32675063; Colombo et al. 2021. PubMed ID: 34781295). This variant is present in 0.040% of alleles in individuals of East Asian descent in gnomAD. This variant is interpreted as likely pathogenic.

Labcorp Genetics (formerly Invitae), Labcorp
Classification: Pathogenic. Last evaluated: 2025-10-18. Review status: criteria provided, single submitter. Criteria: Invitae Variant Classification Sherloc (09022015). Collection method: clinical testing. Allele origin: germline.
Comment: This sequence change replaces threonine, which is neutral and polar, with methionine, which is neutral and non-polar, at codon 2310 of the USH2A protein (p.Thr2310Met). This variant is present in population databases (rs151057466, gnomAD 0.03%). This missense change has been observed in individual(s) with retinitis pigmentosa (PMID: 30733538, 31054281, 32188678, 32675063, 33576794; internal data). In at least one individual the data is consistent with being in trans (on the opposite chromosome) from a pathogenic variant. ClinVar contains an entry for this variant (Variation ID: 965224). Invitae Evidence Modeling of protein sequence and biophysical properties (such as structural, functional, and spatial information, amino acid conservation, physicochemical variation, residue mobility, and thermodynamic stability) indicates that this missense variant is expected to disrupt USH2A protein function with a positive predictive value of 95%. This variant disrupts the p.Thr2310 amino acid residue in USH2A. Other variant(s) that disrupt this residue have been observed in individuals with USH2A-related conditions (PMID: 28944237), which suggests that this may be a clinically significant amino acid residue. For these reasons, this variant has been classified as Pathogenic.

Myriad Genetics, Inc.
Classification: Likely pathogenic for USH2A-related disorder. Last evaluated: 2025-07-25. Review status: criteria provided, single submitter. Criteria: Myriad Autosomal Dominant, Autosomal Recessive and X-Linked Classification Criteria (2023). Collection method: clinical testing. Allele origin: unknown.
Comment: NM_206933.2(USH2A):c.6929C>T(T2310M) is a missense variant classified as likely pathogenic in the context of USH2A-related disorders. T2310M has been observed in cases with relevant disease (PMID: 33576794, 32188678, 32675063, 34906470, 40114034). Relevant functional assessments of this variant are not available in the literature. T2310M has been observed in referenced population frequency databases. In summary, NM_206933.2(USH2A):c.6929C>T(T2310M) is a missense variant that has been observed more frequently in cases with the relevant disease than in healthy populations. Please note: this variant was assessed in the context of healthy population screening.

Blueprint Genetics
Classification: Pathogenic for USH2A-related disorders. Last evaluated: 2024-04-09. Review status: criteria provided, single submitter. Criteria: ACMG Guidelines, 2015. Collection method: clinical testing. Allele origin: germline. Affected: yes. Observed: 5 variant alleles.

Baylor Genetics
Classification: Likely pathogenic for Retinitis pigmentosa 39. Last evaluated: 2024-03-29. Review status: criteria provided, single submitter. Criteria: ACMG Guidelines, 2015. Collection method: clinical testing. Allele origin: unknown.

DBGen Ocular Genomics
Classification: Likely pathogenic for Retinitis pigmentosa 39. Last evaluated: 2021-06-23. Review status: criteria provided, single submitter. Criteria: ACMG Guidelines, 2015. Collection method: clinical testing. Allele origin: germline. Affected: yes. Observed: 1 variant allele.

Ocular Genomics Institute, Massachusetts Eye and Ear
Classification: Uncertain significance for Retinitis pigmentosa 39. Last evaluated: 2021-04-08. Review status: flagged submission. Criteria: ACMG Guidelines, 2015. Collection method: research. Allele origin: germline. Affected: yes. Not counted in ClinVar's aggregate classification.
Comment: Through a review of available evidence we were able to apply the following criteria: PM2. Based on this evidence we have classified this variant as Variant of Uncertain Significance.
ClinVar note: Reason: Older claim that does not account for recent evidence

Natera, Inc.
Classification: Uncertain significance for Usher syndrome type 2A. Last evaluated: 2020-09-28. Review status: flagged submission. Collection method: clinical testing. Allele origin: germline. Not counted in ClinVar's aggregate classification.
ClinVar note: Reason: Older claim that does not account for recent evidence

Clinical Genetics, Academic Medical Center
Classification: Uncertain significance. Review status: flagged submission. Collection method: clinical testing. Allele origin: germline. Affected: yes. Study: VKGL Data-share Consensus. Not counted in ClinVar's aggregate classification.
ClinVar note: Reason: Older claim that does not account for recent evidence

Joint Genome Diagnostic Labs from Nijmegen and Maastricht, Radboudumc and MUMC+
Classification: Uncertain significance. Review status: flagged submission. Collection method: clinical testing. Allele origin: germline. Affected: yes. Study: VKGL Data-share Consensus. Not counted in ClinVar's aggregate classification.
ClinVar note: Reason: Older claim that does not account for recent evidence

Literature cited by the submitters: PubMed 30733538 (cited by Labcorp Genetics (formerly Invitae), Labcorp); PubMed 31054281 (cited by Labcorp Genetics (formerly Invitae), Labcorp); PubMed 32188678 (cited by Labcorp Genetics (formerly Invitae), Labcorp and Myriad Genetics, Inc.); PubMed 32675063 (cited by Labcorp Genetics (formerly Invitae), Labcorp and Myriad Genetics, Inc.); PubMed 33576794 (cited by Labcorp Genetics (formerly Invitae), Labcorp and Myriad Genetics, Inc.); PubMed 28944237 (cited by Labcorp Genetics (formerly Invitae), Labcorp); PubMed 34906470 (cited by Myriad Genetics, Inc.); PubMed 40114034 (cited by Myriad Genetics, Inc.).